The following is an entry in ClinVar:

NM_152393.4(KLHL40):c.586G>T (p.Glu196Ter)

Gene: KLHL40 (kelch like family member 40; plus strand). Cytogenetic location: 3p22.1.
Variant type: single nucleotide variant.
Coding change: c.586G>T on transcript NM_152393.4 (MANE Select); coding-DNA position 586, G replaced by T.
Protein change: p.Glu196Ter; replaces glutamic acid 196 with a stop codon.
Molecular consequence: nonsense.
Genome position (GRCh38, 1-based): chr3:42,686,204, G>T. VCF-style: chr3-42686204-G-T. GRCh37 (hg19) VCF-style: chr3-42727696-G-T.
Other names: short protein forms E196*.
Identifiers: ClinVar variation 4750508 (VCV004750508.1).

ClinVar aggregate classification (germline): Pathogenic (1 of 4 stars; one submission).

Conditions:
Nemaline myopathy 8 (NEM8). Also called: Nemaline myopathy 8, autosomal recessive. Identifiers: Orphanet 171430, MedGen C3809209, MONDO:0014138, OMIM 615348.

Submission:

Labcorp Genetics (formerly Invitae), Labcorp
Classification: Pathogenic for Nemaline myopathy 8. Last evaluated: 2026-01-09. Review status: criteria provided, single submitter. Criteria: Invitae Variant Classification Sherloc (09022015). Collection method: clinical testing. Allele origin: germline.
Comment: This sequence change creates a premature translational stop signal (p.Glu196*) in the KLHL40 gene. It is expected to result in an absent or disrupted protein product. Loss-of-function variants in KLHL40 are known to be pathogenic (PMID: 23746549). This variant is not present in population databases (gnomAD no frequency). This variant has not been reported in the literature in individuals affected with KLHL40-related conditions. For these reasons, this variant has been classified as Pathogenic.

Literature cited by the submitters: PubMed 23746549.